The following is an entry in ClinVar:

NM_001330260.2(SCN8A):c.269C>T (p.Thr90Met)

Genes: SCN8A (sodium voltage-gated channel alpha subunit 8; plus strand), LOC114803470 (SCN8A eExon liver enhancer; plus strand). Cytogenetic location: 12q13.13.
Variant type: single nucleotide variant.
Coding change: c.269C>T on transcript NM_001330260.2 (MANE Select); coding-DNA position 269, C replaced by T.
Protein change: p.Thr90Met; replaces threonine 90 with methionine.
Molecular consequence: missense variant.
Genome position (GRCh38, 1-based): chr12:51,663,086, C>T. VCF-style: chr12-51663086-C-T. GRCh37 (hg19) VCF-style: chr12-52056870-C-T.
Other names: c.269C>T, p.Thr90Met (NM_001177984.3, NM_001369788.1, NM_014191.4); short protein forms T90M.
Identifiers: ClinVar variation 863208 (VCV000863208.10), dbSNP rs763078635, ClinGen allele CA6571015.

ClinVar aggregate classification (germline): Uncertain significance. Review status: criteria provided, multiple submitters, no conflicts (2 of 4 stars). 2 submissions from 2 submitters: Uncertain significance (2). Last evaluated 2023-06-19.

Conditions:
SCN8A-related disorder.
Early-infantile DEE. Also called: Early infantile epileptic encephalopathy; Early infantile epileptic encephalopathy with suppression bursts; Ohtahara syndrome. Identifiers: Orphanet 1934, MedGen C0393706, MONDO:0800491.

Allele frequency attached by ClinVar (database versions not stated): gnomAD 0.00001; gnomAD exomes 0.00001; TOPMed 0.00001; ExAC 0.00002.
gnomAD v4.1: 18 of 1,613,226 alleles (0.0011%); highest among the groups gnomAD compares: Non-Finnish European, 0.0014%; no homozygotes.

Submissions (2):

PreventionGenetics, part of Exact Sciences
Classification: Uncertain significance for SCN8A-related condition. Last evaluated: 2023-06-19. Review status: criteria provided, single submitter. Criteria: ACMG Guidelines, 2015. Collection method: clinical testing. Allele origin: germline.
Comment: The SCN8A c.269C>T variant is predicted to result in the amino acid substitution p.Thr90Met. To our knowledge, this variant has not been reported in the literature. This variant is reported in 0.0065% of alleles in individuals of African descent in gnomAD. At this time, the clinical significance of this variant is uncertain due to the absence of conclusive functional and genetic evidence.

Labcorp Genetics (formerly Invitae), Labcorp
Classification: Uncertain significance for Early-infantile DEE. Last evaluated: 2023-03-08. Review status: criteria provided, single submitter. Criteria: Invitae Variant Classification Sherloc (09022015). Collection method: clinical testing. Allele origin: germline.
Comment: This sequence change replaces threonine, which is neutral and polar, with methionine, which is neutral and non-polar, at codon 90 of the SCN8A protein (p.Thr90Met). This variant is present in population databases (rs763078635, gnomAD 0.007%). This variant has not been reported in the literature in individuals affected with SCN8A-related conditions. ClinVar contains an entry for this variant (Variation ID: 863208). Advanced modeling of protein sequence and biophysical properties (such as structural, functional, and spatial information, amino acid conservation, physicochemical variation, residue mobility, and thermodynamic stability) performed at Invitae indicates that this missense variant is not expected to disrupt SCN8A protein function. In summary, the available evidence is currently insufficient to determine the role of this variant in disease. Therefore, it has been classified as a Variant of Uncertain Significance.